The following is an entry in ClinVar:

NM_000214.3(JAG1):c.35G>A (p.Arg12His)

Gene: JAG1 (jagged canonical Notch ligand 1; minus strand). Cytogenetic location: 20p12.2.
Variant type: single nucleotide variant.
Coding change: c.35G>A on transcript NM_000214.3 (MANE Select); coding-DNA position 35, G replaced by A.
Protein change: p.Arg12His; replaces arginine 12 with histidine.
Molecular consequence: missense variant.
Genome position (GRCh38, 1-based): chr20:10,673,496, C>T on the plus strand (G>A on the coding strand, the complement: JAG1 is on the minus strand). VCF-style: chr20-10673496-C-T. GRCh37 (hg19) VCF-style: chr20-10654144-C-T.
Other names: short protein forms R12H.
Identifiers: ClinVar variation 1346903 (VCV001346903.6), dbSNP rs993180718, ClinGen allele CA408244243.

ClinVar aggregate classification (germline): Uncertain significance (1 of 4 stars; one submission).

Conditions:
Alagille syndrome due to a JAG1 point mutation. Also called: HEPATIC DUCTULAR HYPOPLASIA, SYNDROMATIC; Alagille Syndrome 1; JAG1-Related Alagille Syndrome. Identifiers: Orphanet 261619, Orphanet 52, MedGen C1956125, MONDO:0016862, OMIM 118450.

Submission:

Labcorp Genetics (formerly Invitae), Labcorp
Classification: Uncertain significance for Alagille syndrome due to a JAG1 point mutation. Last evaluated: 2021-08-29. Review status: criteria provided, single submitter. Criteria: Invitae Variant Classification Sherloc (09022015). Collection method: clinical testing. Allele origin: germline.
Comment: The frequency data for this variant in the population databases is considered unreliable, as metrics indicate insufficient coverage at this position in the ExAC database. This sequence change replaces arginine with histidine at codon 12 of the JAG1 protein (p.Arg12His). The arginine residue is highly conserved and there is a small physicochemical difference between arginine and histidine. This variant has not been reported in the literature in individuals affected with JAG1-related conditions. Advanced modeling of protein sequence and biophysical properties (such as structural, functional, and spatial information, amino acid conservation, physicochemical variation, residue mobility, and thermodynamic stability) performed at Invitae indicates that this missense variant is not expected to disrupt JAG1 protein function. In summary, the available evidence is currently insufficient to determine the role of this variant in disease. Therefore, it has been classified as a Variant of Uncertain Significance.